The following is an entry in ClinVar:

ClinVar aggregate classification (germline): Uncertain significance (1 of 4 stars; one submission).

Conditions:
Polyglucosan body myopathy type 2. Identifiers: Orphanet 456369, MedGen C4015452, MONDO:0014526, OMIM 616199.
Glycogen storage disease XV (GSD15). Also called: GLYCOGENIN DEFICIENCY; GSD XV. Identifiers: Orphanet 263297, MedGen C3150754, MONDO:0013291, OMIM 613507.

Submission:

Labcorp Genetics (formerly Invitae), Labcorp
Classification: Uncertain significance for Polyglucosan body myopathy type 2; Glycogen storage disease XV. Last evaluated: 2022-03-22. Review status: criteria provided, single submitter. Criteria: Invitae Variant Classification Sherloc (09022015). Collection method: clinical testing. Allele origin: germline.
Comment: This variant, c.1019_1021del, results in the deletion of 1 amino acid(s) of the GYG1 protein (p.Asn340del), but otherwise preserves the integrity of the reading frame. This variant is present in population databases (no rsID available, gnomAD 0.006%). This variant has not been reported in the literature in individuals affected with GYG1-related conditions. Experimental studies and prediction algorithms are not available or were not evaluated, and the functional significance of this variant is currently unknown. In summary, the available evidence is currently insufficient to determine the role of this variant in disease. Therefore, it has been classified as a Variant of Uncertain Significance.

NM_004130.4(GYG1):c.1016ACA[1] (p.Asn340del)

Gene: GYG1 (glycogenin 1; plus strand). Cytogenetic location: 3q24.
Variant type: Microsatellite.
Coding change: c.1016ACA[1] on transcript NM_004130.4 (MANE Select); one copy of the 3-base unit ACA starting at c.1016; the reference has two copies in a row; one copy, 3 bases deleted.
Protein change: p.Asn340del; deletes asparagine 340.
Molecular consequence: inframe deletion.
Genome position (GRCh38, 1-based): chr3:149,026,899-149,026,901, ACA deleted; deleting any 3 consecutive bases within chr3:149,026,896-149,026,901 gives the same sequence; the position shown is the placement nearest the transcript's 3' end. VCF-style (leftmost placement, unchanged base first): chr3-149026895-GACA-G. GRCh37 (hg19) VCF-style: chr3-148744682-GACA-G.
Other names: c.965ACA[1], p.Asn323del (NM_001184720.2); c.745ACA[1], p.Thr250del (NM_001184721.2); short protein forms N340del, T250del, N323del.
Identifiers: ClinVar variation 1411206 (VCV001411206.5), dbSNP rs1368197366, ClinGen allele CA547365614.